The following is an entry in ClinVar:

ClinVar aggregate classification (germline): Uncertain significance (1 of 4 stars; one submission).

Submission:

Labcorp Genetics (formerly Invitae), Labcorp
Classification: Uncertain significance. Last evaluated: 2025-08-17. Review status: criteria provided, single submitter. Criteria: Invitae Variant Classification Sherloc (09022015). Collection method: clinical testing. Allele origin: germline.
Comment: This sequence change replaces phenylalanine, which is neutral and non-polar, with isoleucine, which is neutral and non-polar, at codon 157 of the ABHD5 protein (p.Phe157Ile). This variant is not present in population databases (gnomAD no frequency). This variant has not been reported in the literature in individuals affected with ABHD5-related conditions. Invitae Evidence Modeling of protein sequence and biophysical properties (such as structural, functional, and spatial information, amino acid conservation, physicochemical variation, residue mobility, and thermodynamic stability) indicates that this missense variant is not expected to disrupt ABHD5 protein function with a negative predictive value of 80%. In summary, the available evidence is currently insufficient to determine the role of this variant in disease. Therefore, it has been classified as a Variant of Uncertain Significance.

NM_016006.6(ABHD5):c.469T>A (p.Phe157Ile)

Gene: ABHD5 (abhydrolase domain containing 5, lysophosphatidic acid acyltransferase; plus strand). Cytogenetic location: 3p21.33.
Variant type: single nucleotide variant.
Coding change: c.469T>A on transcript NM_016006.6 (MANE Select); coding-DNA position 469, T replaced by A.
Protein change: p.Phe157Ile; replaces phenylalanine 157 with isoleucine.
Molecular consequence: missense variant. On other transcripts: non-coding transcript variant (1).
Genome position (GRCh38, 1-based): chr3:43,702,550, T>A. VCF-style: chr3-43702550-T-A. GRCh37 (hg19) VCF-style: chr3-43744042-T-A.
Other names: c.469T>A, p.Phe157Ile (NM_001355186.2, NM_001365650.1); c.346T>A, p.Phe116Ile (NM_001365649.1); short protein forms F116I, F157I.
Identifiers: ClinVar variation 4713987 (VCV004713987.1).
Genomic context (GRCh38, chr3:43,702,550, plus strand): 5'-GAGTGGAGATGTGCCCTAGGATTGGACAAAATGATCTTGCTTGGGCACAACCTAGGTGGA[T>A]TCTTGGCTGCTGCTTACTCGCTGAAGTACCCATCAAGGTAAGTGGTGGTGACAGAAGAGA-3'
Protein context (NP_057090.2, residues 147-167): MILLGHNLGG[Phe157Ile]LAAAYSLKYP